The following is an entry in ClinVar:

NM_152564.5(VPS13B):c.8741_8756del (p.Pro2914fs)

Gene: VPS13B (vacuolar protein sorting 13 homolog B; plus strand). Cytogenetic location: 8q22.2.
Variant type: Deletion.
Coding change: c.8741_8756del on transcript NM_152564.5 (MANE Select); coding-DNA positions 8741 to 8756, 16 bases deleted (CAGAAAAGTCGCTTCA).
Protein change: p.Pro2914fs; shifts the reading frame from proline 2914.
Molecular consequence: frameshift variant.
Genome position (GRCh38, 1-based): chr8:99,819,531-99,819,546, CAGAAAAGTCGCTTCA deleted. VCF-style (leftmost placement, unchanged base first): chr8-99819530-CCAGAAAAGTCGCTTCA-C. GRCh37 (hg19) VCF-style: chr8-100831758-CCAGAAAAGTCGCTTCA-C.
Other names: c.8816_8831del, p.Pro2939fs (NM_017890.5); short protein forms P2914fs, P2939fs.
Identifiers: ClinVar variation 2698956 (VCV002698956.3), dbSNP rs2492014077, ClinGen allele CA2697550098.

ClinVar aggregate classification (germline): Pathogenic (1 of 4 stars; one submission).

Conditions:
Cohen syndrome (COH1). Also called: PEPPER SYNDROME; Cutis verticis gyrata, retinitis pigmentosa, and sensorineural deafness. Identifiers: Orphanet 193, MedGen C0265223, MONDO:0008999, OMIM 216550.

Submission:

Labcorp Genetics (formerly Invitae), Labcorp
Classification: Pathogenic for Cohen syndrome. Last evaluated: 2023-11-25. Review status: criteria provided, single submitter. Criteria: Invitae Variant Classification Sherloc (09022015). Collection method: clinical testing. Allele origin: germline.
Comment: This sequence change creates a premature translational stop signal (p.Pro2939Hisfs*17) in the VPS13B gene. It is expected to result in an absent or disrupted protein product. Loss-of-function variants in VPS13B are known to be pathogenic (PMID: 15141358, 16648375, 20461111). This variant is not present in population databases (gnomAD no frequency). This variant has not been reported in the literature in individuals affected with VPS13B-related conditions. For these reasons, this variant has been classified as Pathogenic.

Literature cited by the submitters: PubMed 15141358; PubMed 16648375; PubMed 20461111.